The following is an entry in ClinVar:

NM_002354.3(EPCAM):c.714A>T (p.Glu238Asp)

Gene: EPCAM (epithelial cell adhesion molecule; plus strand). Cytogenetic location: 2p21.
Variant type: single nucleotide variant.
Coding change: c.714A>T on transcript NM_002354.3 (MANE Select); coding-DNA position 714, A replaced by T.
Protein change: p.Glu238Asp; replaces glutamic acid 238 with aspartic acid.
Molecular consequence: missense variant.
Genome position (GRCh38, 1-based): chr2:47,379,825, A>T. VCF-style: chr2-47379825-A-T. GRCh37 (hg19) VCF-style: chr2-47606964-A-T.
Other names: short protein forms E238D.
Identifiers: ClinVar variation 4018548 (VCV004018548.1).

ClinVar aggregate classification (germline): Uncertain significance (1 of 4 stars; one submission).

Conditions:
Hereditary cancer-predisposing syndrome. Also called: Tumor predisposition; Hereditary neoplastic syndrome; Neoplastic Syndromes, Hereditary; Hereditary Cancer Syndrome. Identifiers: Orphanet 140162, MedGen C0027672, MeSH D009386, MONDO:0015356.

gnomAD v4.1: 1 of 1,614,074 alleles (0.000062%); highest among the groups gnomAD compares: Admixed American, 0.0017%; no homozygotes.

Submission:

Ambry Genetics
Classification: Uncertain significance for Hereditary cancer-predisposing syndrome. Last evaluated: 2025-05-17. Review status: criteria provided, single submitter. Criteria: Ambry Variant Classification Scheme 2023. Collection method: clinical testing. Allele origin: germline.
Comment: The p.E238D variant (also known as c.714A>T), located in coding exon 7 of the EPCAM gene, results from an A to T substitution at nucleotide position 714. The glutamic acid at codon 238 is replaced by aspartic acid, an amino acid with highly similar properties. This amino acid position is conserved. In addition, this alteration is predicted to be tolerated by in silico analysis. Based on the available evidence, the clinical significance of this variant remains unclear.